The following is an entry in ClinVar:

ClinVar aggregate classification (germline): Likely pathogenic (1 of 4 stars; one submission).

Submission:

GeneDx
Classification: Likely pathogenic. Last evaluated: 2025-10-20. Review status: criteria provided, single submitter. Criteria: GeneDx Variant Classification Process June 2021. Collection method: clinical testing. Allele origin: germline.
Comment: Published functional studies suggest a damaging effect through impaired FAS expression by T cells and prevention of apoptosis-inducing FAS-FAS ligand complex formation (PMID: 9360957, 9927496); Not observed at significant frequency in large population cohorts (gnomAD); In silico analysis supports that this missense variant has a deleterious effect on protein structure/function; Also known as p.(C66R); This variant is associated with the following publications: (PMID: 9927496, 9360957)

NM_000043.6(FAS):c.244T>C (p.Cys82Arg)

Gene: FAS (Fas cell surface death receptor; plus strand). Cytogenetic location: 10q23.31.
Variant type: single nucleotide variant.
Coding change: c.244T>C on transcript NM_000043.6 (MANE Select); coding-DNA position 244, T replaced by C.
Protein change: p.Cys82Arg; replaces cysteine 82 with arginine.
Molecular consequence: missense variant. On other transcripts: non-coding transcript variant (4).
Genome position (GRCh38, 1-based): chr10:89,007,747, T>C. VCF-style: chr10-89007747-T-C. GRCh37 (hg19) VCF-style: chr10-90767504-T-C.
Other names: c.244T>C, p.Cys82Arg (NM_001320619.2, NM_152871.4, NM_152872.4); c.289T>C, p.Cys97Arg (NM_001410956.1); short protein forms C82R, C97R.
Identifiers: ClinVar variation 4083279 (VCV004083279.2).
Genomic context (GRCh38, chr10:89,007,747, plus strand): 5'-TTTCCTTGGGCAGGTGAAAGGAAAGCTAGGGACTGCACAGTCAATGGGGATGAACCAGAC[T>C]GCGTGCCCTGCCAAGAAGGGAAGGAGTACACAGACAAAGCCCATTTTTCTTCCAAATGCA-3'
Protein context (NP_000034.1, residues 72-92): DCTVNGDEPD[Cys82Arg]VPCQEGKEYT